The following is an entry in ClinVar:

ClinVar aggregate classification (germline): Pathogenic (1 of 4 stars; one submission).

Conditions:
Wilson disease (WND). Also called: Wilson's disease. Identifiers: Orphanet 905, MedGen C0019202, MONDO:0010200, OMIM 277900. Disease mechanism: loss of function.

Submission:

Myriad Genetics, Inc.
Classification: Pathogenic for Wilson disease. Last evaluated: 2024-01-05. Review status: criteria provided, single submitter. Criteria: Myriad Autosomal Dominant, Autosomal Recessive and X-Linked Classification Criteria (2023). Collection method: clinical testing. Allele origin: unknown.
Comment: NM_000053.3(ATP7B):c.1598_1607del10(D533Afs*7) is expected to be pathogenic in the context of Wilson disease. This variant is predicted to lead to an abnormal or absent protein product due to the creation of a premature termination codon in ATP7B, a gene where loss-of-function variants are known to be pathogenic. Please note: this variant was assessed in the context of healthy population screening.

NM_000053.4(ATP7B):c.1598_1607del (p.Asp533fs)

Gene: ATP7B (ATPase copper transporting beta; minus strand). Cytogenetic location: 13q14.3.
Variant type: Deletion.
Coding change: c.1598_1607del on transcript NM_000053.4 (MANE Select); coding-DNA positions 1598 to 1607, 10 bases deleted (ACCCAGAGGT; older notation c.1598_1607delACCCAGAGGT).
Protein change: p.Asp533fs; shifts the reading frame from aspartic acid 533.
Molecular consequence: frameshift variant. On other transcripts: intron variant (1).
Genome position (GRCh38, 1-based): chr13:51,968,544-51,968,553, ACCTCTGGGT deleted on the plus strand (ACCCAGAGGT on the coding strand, the reverse complement: ATP7B is on the minus strand). VCF-style (leftmost placement, unchanged base first): chr13-51968543-GACCTCTGGGT-G. GRCh37 (hg19) VCF-style: chr13-52542679-GACCTCTGGGT-G.
Other names: c.1598_1607del, p.Asp533fs (NM_001005918.3, NM_001330578.2, NM_001330579.2 and 26 more transcripts); c.1265_1274del, p.Asp422fs (NM_001243182.2); c.1565_1574del, p.Asp522fs (NM_001406514.1, NM_001406524.1); c.1502_1511del, p.Asp501fs (NM_001406517.1, NM_001406518.1, NM_001406530.1 and 3 more transcripts); c.1169_1178del, p.Asp390fs (NM_001406539.1); c.1285+5382_1285+5391del (NM_001406548.1); short protein forms D390fs, D422fs, D501fs, D522fs, D533fs.
Identifiers: ClinVar variation 5012630 (VCV005012630.1).